The following is an entry in ClinVar:

NM_001005242.3(PKP2):c.1474T>A (p.Ser492Thr)

Gene: PKP2 (plakophilin 2; minus strand). Cytogenetic location: 12p11.21.
Variant type: single nucleotide variant.
Coding change: c.1474T>A on transcript NM_001005242.3 (MANE Select); coding-DNA position 1474, T replaced by A.
Protein change: p.Ser492Thr; replaces serine 492 with threonine.
Molecular consequence: missense variant.
Genome position (GRCh38, 1-based): chr12:32,841,110, A>T on the plus strand (T>A on the coding strand, the complement: PKP2 is on the minus strand). VCF-style: chr12-32841110-A-T. GRCh37 (hg19) VCF-style: chr12-32994044-A-T.
Other names: c.1474T>A, p.Ser492Thr (NM_001407155.1, NM_001407156.1, NM_001407161.1); c.1606T>A, p.Ser536Thr (NM_001407157.1, NM_004572.4); c.1147T>A, p.Ser383Thr (NM_001407158.1, NM_001407159.1, NM_001407160.1 and 1 more transcripts); short protein forms S383T, S492T, S536T.
Identifiers: ClinVar variation 3893952 (VCV003893952.1).
Genomic context (GRCh38, chr12:32,841,110, plus strand): 5'-AGAATATGTCAAAATCGAGCAAACCATTTGCTTTTGGGTAGTCTCCTTCAGGCCACCCAG[A>T]AAAGGGGATGATGATATTCTCCGTCAGCGTAAGCAATGCTTCTGTTATCATGAGATTCTT-3'
Protein context (NP_001005242.2, residues 482-502): TLTENIIIPF[Ser492Thr]GWPEGDYPKA

ClinVar aggregate classification (germline): Uncertain significance (1 of 4 stars; one submission).

Conditions:
Cardiomyopathy (CMYO). Also called: Cardiomyopathies. Identifiers: Orphanet 167848, MedGen C0878544, MONDO:0004994, HP:0001638. Inheritance: Various modes of inheritance.

Submission:

Color Diagnostics, LLC DBA Color Health
Classification: Uncertain significance for Cardiomyopathy. Last evaluated: 2024-06-17. Review status: criteria provided, single submitter. Criteria: ACMG Guidelines, 2015. Collection method: clinical testing. Allele origin: germline.
Comment: This missense variant replaces serine with threonine at codon 536 of the PKP2 protein. Computational prediction is inconclusive regarding the impact of this variant on protein structure and function (internally defined REVEL score threshold 0.5 < inconclusive < 0.7, PMID: 27666373). To our knowledge, functional studies have not been reported for this variant. This variant has not been reported in individuals affected with PKP2-related disorders in the literature. This variant has not been identified in the general population by the Genome Aggregation Database (gnomAD). The available evidence is insufficient to determine the role of this variant in disease conclusively. Therefore, this variant is classified as a Variant of Uncertain Significance.